The following is an entry in ClinVar:

ClinVar aggregate classification (germline): Likely benign. Review status: criteria provided, multiple submitters, no conflicts (2 of 4 stars). 2 submissions from 2 submitters: Likely benign (2). Last evaluated 2025-05-05.

Conditions:
TTC21B-related disorder. Also called: TTC21B-related condition; TTC21B-related disorders.
Jeune thoracic dystrophy. Also called: Short-rib thoracic dysplasia; Jeune syndrome; Infantile thoracic dystrophy; Thoracic pelvic phalangeal dystrophy; Jeune's syndrome; Chondroectodermal dysplasia-like syndrome. Identifiers: Orphanet 474, MedGen C0265275, MONDO:0018770.
Nephronophthisis. Also called: Juvenile Nephronophthisis. Identifiers: Orphanet 655, MedGen C0687120, MONDO:0019005, HP:0000090.

gnomAD v4.1: 2 of 1,613,584 alleles (0.00012%); highest among the groups gnomAD compares: Non-Finnish European, 0.00017%; no homozygotes.

Submissions (2):

PreventionGenetics, part of Exact Sciences
Classification: Likely benign for TTC21B-related condition. Last evaluated: 2025-05-05. Review status: criteria provided, single submitter. Criteria: ACMG Guidelines, 2015. Collection method: clinical testing. Allele origin: germline.
Comment: This variant is classified as likely benign based on ACMG/AMP sequence variant interpretation guidelines (Richards et al. 2015 PMID: 25741868, with internal and published modifications).

Labcorp Genetics (formerly Invitae), Labcorp
Classification: Likely benign for Jeune thoracic dystrophy; Nephronophthisis. Last evaluated: 2024-10-08. Review status: criteria provided, single submitter. Criteria: Invitae Variant Classification Sherloc (09022015). Collection method: clinical testing. Allele origin: germline.

NM_024753.5(TTC21B):c.3933T>A (p.Arg1311=)

Gene: TTC21B (tetratricopeptide repeat domain 21B; minus strand). Cytogenetic location: 2q24.3.
Variant type: single nucleotide variant.
Coding change: c.3933T>A on transcript NM_024753.5 (MANE Select); coding-DNA position 3933, T replaced by A.
Protein change: p.Arg1311=; no amino-acid change (arginine 1311 retained).
Molecular consequence: synonymous variant.
Genome position (GRCh38, 1-based): chr2:165,874,773, A>T on the plus strand (T>A on the coding strand, the complement: TTC21B is on the minus strand). VCF-style: chr2-165874773-A-T. GRCh37 (hg19) VCF-style: chr2-166731283-A-T.
Other names: c.3933T>A (NM_024753.4).
Identifiers: ClinVar variation 3762692 (VCV003762692.3).